The following is an entry in ClinVar:

NM_001267550.2(TTN):c.92467G>A (p.Gly30823Ser)

Genes: TTN (titin; minus strand), TTN-AS1 (TTN antisense RNA 1; plus strand). Cytogenetic location: 2q31.2.
Variant type: single nucleotide variant.
Coding change: c.92467G>A on transcript NM_001267550.2 (MANE Select); coding-DNA position 92467, G replaced by A.
Protein change: p.Gly30823Ser; replaces glycine 30823 with serine.
Molecular consequence: missense variant.
Genome position (GRCh38, 1-based): chr2:178,549,159, C>T on the plus strand (G>A on the coding strand, the complement: TTN is on the minus strand). VCF-style: chr2-178549159-C-T. GRCh37 (hg19) VCF-style: chr2-179413886-C-T.
Other names: c.84763G>A, p.Gly28255Ser (NM_133378.4); c.87544G>A, p.Gly29182Ser (NM_001256850.1); c.65272G>A, p.Gly21758Ser (NM_003319.4); c.65647G>A, p.Gly21883Ser (NM_133432.3); c.65848G>A, p.Gly21950Ser (NM_133437.4); short protein forms G28255S, G30823S, G21950S, G29182S, G21883S, G21758S.
Identifiers: ClinVar variation 179535 (VCV000179535.5), dbSNP rs727504934, ClinGen allele CA184621.

ClinVar aggregate classification (germline): Likely benign (1 of 4 stars; one submission).

Allele frequency attached by ClinVar (database versions not stated): gnomAD below 0.00001 and 0.00001; TOPMed 0.00001; gnomAD exomes 0.00003 and 0.00005; ExAC 0.00007.
gnomAD v4.1: 49 of 1,613,644 alleles (0.003%); highest among the groups gnomAD compares: South Asian, 0.052%; 1 homozygote.

Submission:

Laboratory for Molecular Medicine, Mass General Brigham Personalized Medicine
Classification: Likely benign. Last evaluated: 2014-04-10. Review status: criteria provided, single submitter. Criteria: LMM Criteria. Collection method: clinical testing. Allele origin: germline. Observed: 1 variant allele.
Comment: Gly28255Ser in exon 288 of TTN: This variant is not expected to have clinical si gnificance due to a lack of conservation across species, including mammals. Of n ote, multiple mammals, birds, and fish have a serine (Ser, this change) at this position despite high nearby amino acid conservation.